The following is an entry in ClinVar:

ClinVar aggregate classification (germline): Conflicting classifications of pathogenicity. Review status: criteria provided, conflicting classifications (1 of 4 stars). 8 submissions from 8 submitters: Uncertain significance (6); Likely benign (2). Last evaluated 2026-10-01.

Conditions:
Hereditary breast ovarian cancer syndrome. Also called: Hereditary breast and/or ovarian cancer syndrome; Breast and ovarian cancer; Hereditary breast and ovarian cancer syndrome; Hereditary breast and ovarian cancer syndrome (HBOC); BRCA1- and BRCA2-Associated Hereditary Breast and Ovarian Cancer; Hereditary breast and ovarian cancer. Identifiers: Orphanet 145, MedGen C0677776, MeSH D061325, MONDO:0003582. Disease mechanism: loss of function.
Hereditary cancer-predisposing syndrome. Also called: Hereditary Cancer Syndrome; Neoplastic Syndromes, Hereditary; Hereditary neoplastic syndrome; Tumor predisposition. Identifiers: Orphanet 140162, MedGen C0027672, MeSH D009386, MONDO:0015356.
Breast-ovarian cancer, familial, susceptibility to, 1 (BROVCA1). Also called: OVARIAN CANCER, SUSCEPTIBILITY TO; BRCA1 Hereditary Breast and Ovarian Cancer. Identifiers: Orphanet 145, MedGen C2676676, MONDO:0011450, OMIM 604370. Disease mechanism: loss of function.

Submissions (8):

St. Jude Molecular Pathology, St. Jude Children's Research Hospital
Classification: Uncertain significance for Breast-ovarian cancer, familial, susceptibility to, 1. Last evaluated: 2026-10-01. Review status: criteria provided, single submitter. Criteria: St. Jude Assertion Criteria 2020. Collection method: clinical testing. Allele origin: germline.
Comment: The BRCA1 c.2816T>C p.(Val939Ala) missense change is absent in gnomAD v2.1.1. The in silico tool REVEL predicts a benign effect on protein function, but to our knowledge this prediction has not been confirmed by funct ional studies. To our knowledge, this variant has not been reported in individuals with HBOC or Fanconi anemia. In summary, the evidence currently available is insufficient to determine the clinical significance of this variant. It has therefore been cla ssified as of uncertain significance (VUS-Low).

Labcorp Genetics (formerly Invitae), Labcorp
Classification: Uncertain significance for Hereditary breast ovarian cancer syndrome. Last evaluated: 2025-07-30. Review status: criteria provided, single submitter. Criteria: Invitae Variant Classification Sherloc (09022015). Collection method: clinical testing. Allele origin: germline.
Comment: This sequence change replaces valine, which is neutral and non-polar, with alanine, which is neutral and non-polar, at codon 939 of the BRCA1 protein (p.Val939Ala). This variant is not present in population databases (gnomAD no frequency). This variant has not been reported in the literature in individuals affected with BRCA1-related conditions. ClinVar contains an entry for this variant (Variation ID: 531209). Invitae Evidence Modeling of protein sequence and biophysical properties (such as structural, functional, and spatial information, amino acid conservation, physicochemical variation, residue mobility, and thermodynamic stability) indicates that this missense variant is not expected to disrupt BRCA1 protein function with a negative predictive value of 80%. In summary, the available evidence is currently insufficient to determine the role of this variant in disease. Therefore, it has been classified as a Variant of Uncertain Significance.

Ambry Genetics
Classification: Uncertain significance for Hereditary cancer-predisposing syndrome. Last evaluated: 2025-06-24. Review status: criteria provided, single submitter. Criteria: Ambry Variant Classification Scheme 2023. Collection method: clinical testing. Allele origin: germline.
Comment: The p.V939A variant (also known as c.2816T>C), located in coding exon 9 of the BRCA1 gene, results from a T to C substitution at nucleotide position 2816. The valine at codon 939 is replaced by alanine, an amino acid with similar properties. This amino acid position is poorly conserved in available vertebrate species. In addition, this alteration is predicted to be tolerated by in silico analysis. Since supporting evidence is limited at this time, the clinical significance of this alteration remains unclear.

Myriad Genetics, Inc.
Classification: Likely benign for Breast-ovarian cancer, familial, susceptibility to, 1. Last evaluated: 2024-07-16. Review status: criteria provided, single submitter. Criteria: Myriad Autosomal Dominant, Autosomal Recessive and X-Linked Classification Criteria (2023). Collection method: clinical testing. Allele origin: unknown.
Comment: This variant is considered likely benign. This variant is strongly associated with less severe personal and family histories of cancer, typical for individuals without pathogenic variants in this gene [PMID: 25085752].

University of Washington Department of Laboratory Medicine, University of Washington
Classification: Likely benign for Hereditary cancer-predisposing syndrome. Last evaluated: 2023-03-23. Review status: criteria provided, single submitter. Criteria: Dines et al. (Genet Med. 2020). Collection method: curation. Allele origin: germline.
Comment: Missense variant in a coldspot region where missense variants are very unlikely to be pathogenic (PMID:31911673).

BRCA1 coldspot (exon 11 using historical exon numbering). Reclassification based on statistical prior probability

Baylor Genetics
Classification: Uncertain significance for Breast-ovarian cancer, familial, susceptibility to, 1. Last evaluated: 2019-08-24. Review status: criteria provided, single submitter. Criteria: ACMG Guidelines, 2015. Collection method: clinical testing. Allele origin: maternal. Affected: yes. Study: CSER-TexasKidsCanSeq.
Comment: This variant was determined to be of uncertain significance according to ACMG Guidelines, 2015 [PMID:25741868].

GeneDx
Classification: Uncertain significance. Last evaluated: 2019-07-18. Review status: criteria provided, single submitter. Criteria: GeneDx Variant Classification Process June 2021. Collection method: clinical testing. Allele origin: germline. Affected: yes.
Comment: Not observed in large population cohorts (Lek et al., 2016); In silico analysis, which includes protein predictors and evolutionary conservation, supports that this variant does not alter protein structure/function; Has not been previously published as pathogenic or benign to our knowledge

Color Diagnostics, LLC DBA Color Health
Classification: Uncertain significance for Hereditary cancer-predisposing syndrome. Last evaluated: 2019-03-06. Review status: criteria provided, single submitter. Criteria: ACMG Guidelines, 2015. Collection method: clinical testing. Allele origin: germline.

Literature cited by the submitters: PubMed 25085752 (cited by Myriad Genetics, Inc.).

NM_007294.4(BRCA1):c.2816T>C (p.Val939Ala)

Gene: BRCA1 (BRCA1 DNA repair associated; minus strand). Cytogenetic location: 17q21.31.
Variant type: single nucleotide variant.
Coding change: c.2816T>C on transcript NM_007294.4 (MANE Select); coding-DNA position 2816, T replaced by C.
Protein change: p.Val939Ala; replaces valine 939 with alanine.
Molecular consequence: missense variant. On other transcripts: intron variant (137).
Genome position (GRCh38, 1-based): chr17:43,092,715, A>G on the plus strand (T>C on the coding strand, the complement: BRCA1 is on the minus strand). VCF-style: chr17-43092715-A-G. GRCh37 (hg19) VCF-style: chr17-41244732-A-G.
Other names: c.2675T>C, p.Val892Ala (NM_001407724.1, NM_001407734.1, NM_001407735.1 and 29 more transcripts); c.2672T>C, p.Val891Ala (NM_001407740.1, NM_001407741.1, NM_001407742.1 and 20 more transcripts); c.2813T>C, p.Val938Ala (NM_001407861.1, NM_001407587.1, NM_001407590.1 and 22 more transcripts); c.2615T>C, p.Val872Ala (NM_001407862.1); c.2693T>C, p.Val898Ala (NM_001407863.1, NM_001407648.1, NM_001407664.1 and 19 more transcripts); c.2612T>C, p.Val871Ala (NM_001407874.1, NM_001407875.1); c.2606T>C, p.Val869Ala (NM_001407879.1, NM_001407881.1, NM_001407882.1 and 13 more transcripts); c.2603T>C, p.Val868Ala (NM_001407915.1, NM_001407916.1, NM_001407571.1 and 9 more transcripts); and 41 more; short protein forms V939A, V892A, V827A, V828A, V850A, V869A, V872A, V912A.
Identifiers: ClinVar variation 531209 (VCV000531209.26), dbSNP rs1555588894, ClinGen allele CA10596359.